The following is an entry in ClinVar:

NM_002861.5(PCYT2):c.143T>C (p.Met48Thr)

Gene: PCYT2 (phosphate cytidylyltransferase 2, ethanolamine; minus strand). Cytogenetic location: 17q25.3.
Variant type: single nucleotide variant.
Coding change: c.143T>C on transcript NM_002861.5 (MANE Select); coding-DNA position 143, T replaced by C.
Protein change: p.Met48Thr; replaces methionine 48 with threonine.
Molecular consequence: missense variant. On other transcripts: 5 prime UTR variant (3).
Genome position (GRCh38, 1-based): chr17:81,909,549, A>G on the plus strand (T>C on the coding strand, the complement: PCYT2 is on the minus strand). VCF-style: chr17-81909549-A-G. GRCh37 (hg19) VCF-style: chr17-79867425-A-G.
Other names: c.143T>C, p.Met48Thr (NM_001184917.3, NM_001256433.3, NM_001330518.2); c.-33T>C (NM_001256434.3); c.-376T>C (NM_001256435.3, NM_001282203.2); c.47T>C, p.Met16Thr (NM_001282204.2); short protein forms M16T, M48T.
Identifiers: ClinVar variation 1879388 (VCV001879388.29), dbSNP rs150714189, ClinGen allele CA8844499.

ClinVar aggregate classification (germline): Likely benign (1 of 4 stars; one submission).

Allele frequency attached by ClinVar (database versions not stated): 1000 Genomes Project 0.00120; 1000 Genomes Project 30x 0.00141; TOPMed 0.00374; gnomAD 0.00433; ExAC 0.00506; ESP Exome Variant Server 0.00561; gnomAD exomes 0.00644.
gnomAD v4.1: 9,898 of 1,613,716 alleles (0.61%); highest among the groups gnomAD compares: Non-Finnish European, 0.74%; 41 homozygotes.

Submission:

CeGaT Center for Human Genetics Tuebingen
Classification: Likely benign. Last evaluated: 2026-09-01. Review status: criteria provided, single submitter. Criteria: CeGaT Center For Human Genetics Tuebingen Variant Classification Criteria Version 2. Collection method: clinical testing. Allele origin: germline. Affected: yes. Observed: 25 variant alleles.
Comment: PCYT2: PP3, BS2